The following is an entry in ClinVar:

NM_000458.4(HNF1B):c.677C>A (p.Pro226His)

Genes: HNF1B (HNF1 homeobox B; minus strand), LOC126862549 (BRD4-independent group 4 enhancer GRCh37_chr17:36093401-36094600; plus strand). Cytogenetic location: 17q12.
Variant type: single nucleotide variant.
Coding change: c.677C>A on transcript NM_000458.4 (MANE Select); coding-DNA position 677, C replaced by A.
Protein change: p.Pro226His; replaces proline 226 with histidine.
Molecular consequence: missense variant.
Genome position (GRCh38, 1-based): chr17:37,733,689, G>T on the plus strand (C>A on the coding strand, the complement: HNF1B is on the minus strand). VCF-style: chr17-37733689-G-T. GRCh37 (hg19) VCF-style: chr17-36093682-G-T.
Other names: c.599C>A, p.Pro200His (NM_001165923.4, NM_001304286.2); c.677C>A, p.Pro226His (NM_001411100.1); short protein forms P200H, P226H.
Identifiers: ClinVar variation 2636815 (VCV002636815.5), dbSNP rs1210748885, ClinGen allele CA398748812.

ClinVar aggregate classification (germline): Uncertain significance. Review status: criteria provided, multiple submitters, no conflicts (2 of 4 stars). 2 submissions from 2 submitters: Uncertain significance (2). Last evaluated 2024-11-16.

Conditions:
HNF1B-related disorder. Also called: HNF1B-related disorders; HNF1B-related condition.

Allele frequency attached by ClinVar (database versions not stated): gnomAD exomes 0.00001.

Submissions (2):

PreventionGenetics, part of Exact Sciences
Classification: Uncertain significance for HNF1B-related condition. Last evaluated: 2024-11-16. Review status: criteria provided, single submitter. Criteria: ACMG Guidelines, 2015. Collection method: clinical testing. Allele origin: germline.
Comment: The HNF1B c.677C>A variant is predicted to result in the amino acid substitution p.Pro226His. To our knowledge, this variant has not been reported in the literature. This variant is reported in 0.0058% of alleles in individuals of Latino descent in gnomAD. At this time, the clinical significance of this variant is uncertain due to the absence of conclusive functional and genetic evidence.

Labcorp Genetics (formerly Invitae), Labcorp
Classification: Uncertain significance. Last evaluated: 2024-07-24. Review status: criteria provided, single submitter. Criteria: Invitae Variant Classification Sherloc (09022015). Collection method: clinical testing. Allele origin: germline.
Comment: This sequence change replaces proline, which is neutral and non-polar, with histidine, which is basic and polar, at codon 226 of the HNF1B protein (p.Pro226His). This variant is present in population databases (no rsID available, gnomAD 0.006%). This variant has not been reported in the literature in individuals affected with HNF1B-related conditions. ClinVar contains an entry for this variant (Variation ID: 2636815). Advanced modeling of protein sequence and biophysical properties (such as structural, functional, and spatial information, amino acid conservation, physicochemical variation, residue mobility, and thermodynamic stability) performed at Invitae indicates that this missense variant is not expected to disrupt HNF1B protein function with a negative predictive value of 80%. In summary, the available evidence is currently insufficient to determine the role of this variant in disease. Therefore, it has been classified as a Variant of Uncertain Significance.